The following is an entry in ClinVar:

NM_001365088.1(SLC12A6):c.2685del (p.Asn895fs)

Gene: SLC12A6 (solute carrier family 12 member 6; minus strand). Cytogenetic location: 15q14.
Variant type: Deletion.
Coding change: c.2685del on transcript NM_001365088.1 (MANE Select); coding-DNA position 2685, one base deleted (C; older notation c.2685delC).
Protein change: p.Asn895fs; shifts the reading frame from asparagine 895.
Molecular consequence: frameshift variant.
Genome position (GRCh38, 1-based): chr15:34,238,349, G deleted on the plus strand (C on the coding strand, the reverse complement: SLC12A6 is on the minus strand). VCF-style (leftmost placement, unchanged base first): chr15-34238348-TG-T. GRCh37 (hg19) VCF-style: chr15-34530549-TG-T.
Other names: c.2532del, p.Asn844fs (NM_005135.2); c.2685del, p.Asn895fs (NM_133647.2); c.2508del, p.Asn836fs (NM_001042494.2, NM_001042495.2); c.2658del, p.Asn886fs (NM_001042496.2); c.2640del, p.Asn880fs (NM_001042497.2); short protein forms N880fs, N836fs, N844fs, N895fs, N886fs.
Identifiers: ClinVar variation 2814685 (VCV002814685.3), dbSNP rs2509753449, ClinGen allele CA2627634208.
Genomic context (GRCh38, chr15:34,238,348, plus strand): 5'-TCCACCACACATCAATGTTGCCCTCAGAAAATTGCTCCACATTGCTGGGAAAGAAGGAGA[TG>T]TTTTTAGCCACCAGCAGTGCAAGATGGGCAGCAGTTGTCACTCGAACTGTGCCTAGGGAG-3'

ClinVar aggregate classification (germline): Pathogenic (1 of 4 stars; one submission).

Allele frequency attached by ClinVar (database versions not stated): gnomAD exomes below 0.00001.

Submission:

Labcorp Genetics (formerly Invitae), Labcorp
Classification: Pathogenic. Last evaluated: 2024-01-04. Review status: criteria provided, single submitter. Criteria: Invitae Variant Classification Sherloc (09022015). Collection method: clinical testing. Allele origin: germline.
Comment: This sequence change creates a premature translational stop signal (p.Asn895Lysfs*36) in the SLC12A6 gene. It is expected to result in an absent or disrupted protein product. Loss-of-function variants in SLC12A6 are known to be pathogenic (PMID: 12368912, 16606917). This variant is not present in population databases (gnomAD no frequency). This variant has not been reported in the literature in individuals affected with SLC12A6-related conditions. For these reasons, this variant has been classified as Pathogenic.

Literature cited by the submitters: PubMed 12368912; PubMed 16606917.